The following is an entry in ClinVar:

NM_001348323.3(TRIP12):c.3916C>T (p.Gln1306Ter)

Gene: TRIP12 (thyroid hormone receptor interactor 12; minus strand). Cytogenetic location: 2q36.3.
Variant type: single nucleotide variant.
Coding change: c.3916C>T on transcript NM_001348323.3 (MANE Select); coding-DNA position 3916, C replaced by T.
Protein change: p.Gln1306Ter; replaces glutamine 1306 with a stop codon.
Molecular consequence: nonsense.
Genome position (GRCh38, 1-based): chr2:229,795,231, G>A on the plus strand (C>T on the coding strand, the complement: TRIP12 is on the minus strand). VCF-style: chr2-229795231-G-A. GRCh37 (hg19) VCF-style: chr2-230659947-G-A.
Other names: c.3835C>T, p.Gln1279Ter (NM_001284214.2, NM_001348315.2); c.3790C>T, p.Gln1264Ter (NM_001284215.2, NM_001348316.2, NM_001348317.1 and 1 more transcripts); c.2881C>T, p.Gln961Ter (NM_001284216.2); c.3916C>T, p.Gln1306Ter (NM_001348319.1, NM_001348320.2, NM_001348322.1 and 4 more transcripts); c.3919C>T, p.Gln1307Ter (NM_001348321.1, NM_001348328.1, NM_001348329.2 and 1 more transcripts); c.3709C>T, p.Gln1237Ter (NM_001348331.1); c.3829C>T, p.Gln1277Ter (NM_001348332.1); c.3838C>T, p.Gln1280Ter (NM_001348333.1); and 1 more; short protein forms Q961*, Q1237*, Q1264*, Q1279*, Q1307*, Q1231*, Q1306*, Q1277*.
Identifiers: ClinVar variation 816957 (VCV000816957.3), dbSNP rs1575105918, ClinGen allele CA350903457.

ClinVar aggregate classification (germline): Pathogenic (1 of 4 stars; one submission).

Submission:

GeneDx
Classification: Pathogenic. Last evaluated: 2021-02-17. Review status: criteria provided, single submitter. Criteria: GeneDx Variant Classification Process June 2021. Collection method: clinical testing. Allele origin: germline. Affected: yes.
Comment: Nonsense variant predicted to result in protein truncation or nonsense mediated decay in a gene for which loss-of-function is a known mechanism of disease; Not observed in large population cohorts (Lek et al., 2016); This variant is associated with the following publications: (PMID: 28135719, 28191890)